The following is an entry in ClinVar:

ClinVar aggregate classification (germline): Pathogenic/Likely pathogenic. Review status: criteria provided, multiple submitters, no conflicts (2 of 4 stars). 3 submissions from 3 submitters: Pathogenic (2); Likely pathogenic (1). Last evaluated 2025-11-14.

Conditions:
Cobalamin C disease. Also called: Cobalamin-C methylmalonic acidemia and homocystinuria; Methylmalonic acidemia and homocystinuria cblC type; Methylmalonic aciduria and homocystinuria, Vitamin B12-responsive; Vitamin B12 metabolic defect with combined deficiency of methylmalonyl-CoA mutase and homocysteine:methyltetrahydrofolate methyltransferase; methylmalonic aciduria and homocystinuria type cblC; Methylmalonic aciduria with homocystinuria cblC type. Identifiers: Orphanet 26, Orphanet 79282, MedGen C1848561, MONDO:0010184, OMIM 277400.

Allele frequency attached by ClinVar (database versions not stated): TOPMed below 0.00001; gnomAD 0.00001.

Submissions (3):

Women's Health and Genetics/Laboratory Corporation of America, LabCorp
Classification: Pathogenic for Cobalamin C disease. Last evaluated: 2025-11-14. Review status: criteria provided, single submitter. Criteria: LabCorp Variant Classification Summary - May 2015. Collection method: clinical testing. Allele origin: germline.
Comment: Variant summary: MMACHC c.640dupC (p.Arg214ProfsX31) results in a premature termination codon, predicted to cause a truncation of the encoded protein or absence of the protein due to nonsense mediated decay, which are commonly known mechanisms for disease. The variant was absent in 249500 control chromosomes. To our knowledge, no occurrence of c.640dupC in individuals affected with MMACHC-related conditions and no experimental evidence demonstrating its impact on protein function have been reported. However, downstream nonsense variants have been classified as pathogenic by out own laboratory. ClinVar contains an entry for this variant (Variation ID: 2880707). Based on the evidence outlined above, the variant was classified as pathogenic.

Natera, Inc.
Classification: Likely pathogenic for Methylmalonic aciduria and homocystinuria cblC type. Last evaluated: 2025-10-06. Review status: criteria provided, single submitter. Criteria: Natera Variant Classification Schema (03/2026). Collection method: clinical testing. Allele origin: germline.
Comment: The c.640dupC variant in MMACHC is a frameshift variant predicted to shift the reading frame beginning at codon 214 and leads to a stop codon 31 codons downstream. This variant is expected to result in nonsense mediated decay, truncation, or a dysfunctional protein product. This variant is rare in the general population with a frequency below the threshold expected for the associated phenotype(s). Given the available evidence, this variant is classified as Likely Pathogenic.

Labcorp Genetics (formerly Invitae), Labcorp
Classification: Pathogenic for Cobalamin C disease. Last evaluated: 2023-07-28. Review status: criteria provided, single submitter. Criteria: Invitae Variant Classification Sherloc (09022015). Collection method: clinical testing. Allele origin: germline.
Comment: This sequence change creates a premature translational stop signal (p.Arg214Profs*31) in the MMACHC gene. While this is not anticipated to result in nonsense mediated decay, it is expected to disrupt the last 69 amino acid(s) of the MMACHC protein. This variant is not present in population databases (gnomAD no frequency). For these reasons, this variant has been classified as Pathogenic. This variant disrupts a region of the MMACHC protein in which other variant(s) (p.Tyr222*) have been determined to be pathogenic (PMID: 16311595, 19767224, 30157807). This suggests that this is a clinically significant region of the protein, and that variants that disrupt it are likely to be disease-causing. This variant has not been reported in the literature in individuals affected with MMACHC-related conditions.

Literature cited by the submitters: PubMed 16311595 (cited by Labcorp Genetics (formerly Invitae), Labcorp); PubMed 19767224 (cited by Labcorp Genetics (formerly Invitae), Labcorp); PubMed 30157807 (cited by Labcorp Genetics (formerly Invitae), Labcorp).

NM_015506.3(MMACHC):c.640dup (p.Arg214fs)

Genes: MMACHC (metabolism of cobalamin associated C; plus strand), LOC129930446 (ATAC-STARR-seq lymphoblastoid active region 972; plus strand). Cytogenetic location: 1p34.1.
Variant type: Duplication.
Coding change: c.640dup on transcript NM_015506.3 (MANE Select); coding-DNA position 640, one base duplicated (C; older notation c.640dupC).
Protein change: p.Arg214fs; shifts the reading frame from arginine 214.
Molecular consequence: frameshift variant.
Genome position (GRCh38, 1-based): chr1:45,509,006, C duplicated. VCF-style (leftmost placement, unchanged base first): chr1-45509005-G-GC. GRCh37 (hg19) VCF-style: chr1-45974677-G-GC.
Other names: c.640dupC (NM_015506.2, NM_015506.3); c.469dup, p.Arg157fs (NM_001330540.2); short protein forms R157fs, R214fs.
Identifiers: ClinVar variation 2880707 (VCV002880707.5), dbSNP rs1643683813, ClinGen allele CA1001244371.